The following is an entry in ClinVar:

NM_004629.2(FANCG):c.1009C>A (p.Pro337Thr)

Gene: FANCG (FA complementation group G; minus strand). Cytogenetic location: 9p13.3.
Variant type: single nucleotide variant.
Coding change: c.1009C>A on transcript NM_004629.2 (MANE Select); coding-DNA position 1009, C replaced by A.
Protein change: p.Pro337Thr; replaces proline 337 with threonine.
Molecular consequence: missense variant.
Genome position (GRCh38, 1-based): chr9:35,076,499, G>T on the plus strand (C>A on the coding strand, the complement: FANCG is on the minus strand). VCF-style: chr9-35076499-G-T. GRCh37 (hg19) VCF-style: chr9-35076496-G-T.
Other names: short protein forms P337T.
Identifiers: ClinVar variation 3512856 (VCV003512856.1).

ClinVar aggregate classification (germline): Uncertain significance (1 of 4 stars; one submission).

Conditions:
Inborn genetic diseases. Identifiers: MedGen C0950123, MeSH D030342.

gnomAD v4.1: 1 of 1,614,198 alleles (0.000062%); highest among the groups gnomAD compares: Non-Finnish European, 0.000085%; no homozygotes.

Submission:

Ambry Genetics
Classification: Uncertain significance for Inborn genetic diseases. Last evaluated: 2024-11-30. Review status: criteria provided, single submitter. Criteria: Ambry Variant Classification Scheme 2023. Collection method: clinical testing. Allele origin: germline.
Comment: The p.P337T variant (also known as c.1009C>A), located in coding exon 8 of the FANCG gene, results from a C to A substitution at nucleotide position 1009. The proline at codon 337 is replaced by threonine, an amino acid with highly similar properties. This amino acid position is conserved. In addition, this alteration is predicted to be tolerated by in silico analysis. Based on the available evidence, the clinical significance of this variant remains unclear.